The following is an entry in ClinVar:

NM_014714.4(IFT140):c.315C>G (p.Asp105Glu)

Genes: IFT140 (intraflagellar transport 140; minus strand), LOC105371046 (uncharacterized LOC105371046; plus strand). Cytogenetic location: 16p13.3.
Variant type: single nucleotide variant.
Coding change: c.315C>G on transcript NM_014714.4 (MANE Select); coding-DNA position 315, C replaced by G.
Protein change: p.Asp105Glu; replaces aspartic acid 105 with glutamic acid.
Molecular consequence: missense variant.
Genome position (GRCh38, 1-based): chr16:1,602,424, G>C on the plus strand (C>G on the coding strand, the complement: IFT140 is on the minus strand). VCF-style: chr16-1602424-G-C. GRCh37 (hg19) VCF-style: chr16-1652425-G-C.
Other names: short protein forms D105E.
Identifiers: ClinVar variation 1507885 (VCV001507885.6), dbSNP rs772739900, ClinGen allele CA394223031.

ClinVar aggregate classification (germline): Uncertain significance (1 of 4 stars; one submission).

Conditions:
Saldino-Mainzer syndrome (SRTD9). Also called: Renal dysplasia, retinal pigmentary dystrophy, cerebellar ataxia and skeletal dysplasia; CONORENAL SYNDROME; SHORT-RIB THORACIC DYSPLASIA 9 WITHOUT POLYDACTYLY; short-rib thoracic dysplasia 9 with or without polydactyly. Identifiers: Orphanet 140969, MedGen C1849437, MONDO:0009964, OMIM 266920.

Allele frequency attached by ClinVar (database versions not stated): gnomAD exomes below 0.00001.
gnomAD v4.1: 1 of 1,614,256 alleles (0.000062%); highest among the groups gnomAD compares: Non-Finnish European, 0.000085%; no homozygotes.

Submission:

Labcorp Genetics (formerly Invitae), Labcorp
Classification: Uncertain significance for Saldino-Mainzer syndrome. Last evaluated: 2022-07-05. Review status: criteria provided, single submitter. Criteria: Invitae Variant Classification Sherloc (09022015). Collection method: clinical testing. Allele origin: germline.
Comment: In summary, the available evidence is currently insufficient to determine the role of this variant in disease. Therefore, it has been classified as a Variant of Uncertain Significance. Algorithms developed to predict the effect of missense changes on protein structure and function output the following: SIFT: "Tolerated"; PolyPhen-2: "Benign"; Align-GVGD: "Class C0". The glutamic acid amino acid residue is found in multiple mammalian species, which suggests that this missense change does not adversely affect protein function. ClinVar contains an entry for this variant (Variation ID: 1507885). This variant has not been reported in the literature in individuals affected with IFT140-related conditions. This variant is not present in population databases (gnomAD no frequency). This sequence change replaces aspartic acid, which is acidic and polar, with glutamic acid, which is acidic and polar, at codon 105 of the IFT140 protein (p.Asp105Glu).